The following is an entry in ClinVar:

NM_021008.4(DEAF1):c.32T>A (p.Leu11Gln)

Gene: DEAF1 (DEAF1 transcription factor; minus strand). Cytogenetic location: 11p15.5.
Variant type: single nucleotide variant.
Coding change: c.32T>A on transcript NM_021008.4 (MANE Select); coding-DNA position 32, T replaced by A.
Protein change: p.Leu11Gln; replaces leucine 11 with glutamine.
Molecular consequence: missense variant. On other transcripts: intron variant (1).
Genome position (GRCh38, 1-based): chr11:695,016, A>T on the plus strand (T>A on the coding strand, the complement: DEAF1 is on the minus strand). VCF-style: chr11-695016-A-T. GRCh37 (hg19) VCF-style: chr11-695016-A-T.
Other names: c.32T>A, p.Leu11Gln (NM_001293634.2); c.-437-3418T>A (NM_001367390.1); short protein forms L11Q.
Identifiers: ClinVar variation 1463008 (VCV001463008.9), dbSNP rs1440593971, ClinGen allele CA378940752.

ClinVar aggregate classification (germline): Uncertain significance. Review status: criteria provided, multiple submitters, no conflicts (2 of 4 stars). 2 submissions from 2 submitters: Uncertain significance (2). Last evaluated 2023-09-14.

Conditions:
Inborn genetic diseases. Identifiers: MedGen C0950123, MeSH D030342.

Submissions (2):

Ambry Genetics
Classification: Uncertain significance for Inborn genetic diseases. Last evaluated: 2023-09-14. Review status: criteria provided, single submitter. Criteria: Ambry Variant Classification Scheme 2023. Collection method: clinical testing. Allele origin: germline.

Labcorp Genetics (formerly Invitae), Labcorp
Classification: Uncertain significance. Last evaluated: 2022-12-06. Review status: criteria provided, single submitter. Criteria: Invitae Variant Classification Sherloc (09022015). Collection method: clinical testing. Allele origin: germline.
Comment: This sequence change replaces leucine, which is neutral and non-polar, with glutamine, which is neutral and polar, at codon 11 of the DEAF1 protein (p.Leu11Gln). This variant is not present in population databases (gnomAD no frequency). This variant has not been reported in the literature in individuals affected with DEAF1-related conditions. ClinVar contains an entry for this variant (Variation ID: 1463008). Advanced modeling of protein sequence and biophysical properties (such as structural, functional, and spatial information, amino acid conservation, physicochemical variation, residue mobility, and thermodynamic stability) has been performed at Invitae for this missense variant, however the output from this modeling did not meet the statistical confidence thresholds required to predict the impact of this variant on DEAF1 protein function. In summary, the available evidence is currently insufficient to determine the role of this variant in disease. Therefore, it has been classified as a Variant of Uncertain Significance.